The following is an entry in ClinVar:

NM_000548.5(TSC2):c.1840-13C>G

Gene: TSC2 (TSC complex subunit 2; plus strand). Cytogenetic location: 16p13.3.
Variant type: single nucleotide variant.
Coding change: c.1840-13C>G on transcript NM_000548.5 (MANE Select); 13 bases into the intron before coding-DNA position 1840, C replaced by G.
Molecular consequence: intron variant.
Genome position (GRCh38, 1-based): chr16:2,071,497, C>G. VCF-style: chr16-2071497-C-G. GRCh37 (hg19) VCF-style: chr16-2121498-C-G.
Other names: c.1840-13C>G (NM_001114382.3, NM_021055.3, NM_001370405.1 and 3 more transcripts); c.1729-13C>G (NM_001318827.2); c.1240-13C>G (NM_001318831.2); c.1693-13C>G (NM_001318829.2); c.1873-13C>G (NM_001318832.2).
Identifiers: ClinVar variation 512088 (VCV000512088.9), dbSNP rs1186556063, ClinGen allele CA658798487.

ClinVar aggregate classification (germline): Likely benign. Review status: criteria provided, multiple submitters, no conflicts (2 of 4 stars). 3 submissions from 3 submitters: Likely benign (3). Last evaluated 2024-10-07.

Conditions:
Tuberous sclerosis syndrome (TSC). Also called: Tuberous sclerosis; Tuberous Sclerosis Complex. Identifiers: Orphanet 805, MedGen C0041341, MONDO:0001734.
Tuberous sclerosis 2 (TSC2). Identifiers: Orphanet 805, MedGen C1860707, MONDO:0013199, OMIM 613254.

Allele frequency attached by ClinVar (database versions not stated): TOPMed 0.00001.
gnomAD v4.1: 1 of 1,613,452 alleles (0.000062%); highest among the groups gnomAD compares: Non-Finnish European, 0.000085%; no homozygotes.

Submissions (3):

Labcorp Genetics (formerly Invitae), Labcorp
Classification: Likely benign for Tuberous sclerosis 2. Last evaluated: 2024-10-07. Review status: criteria provided, single submitter. Criteria: Invitae Variant Classification Sherloc (09022015). Collection method: clinical testing. Allele origin: germline.

All of Us Research Program, National Institutes of Health
Classification: Likely benign for Tuberous sclerosis syndrome. Last evaluated: 2024-02-22. Review status: criteria provided, single submitter. Criteria: ACMG Guidelines, 2015. Collection method: clinical testing. Allele origin: germline. Inheritance: Autosomal dominant inheritance. Observed: 1 variant allele, 1 heterozygote.
Comment: This study involves interpretation of variants in research participants for the purpose of population health screening. Participant phenotype was not available at the time of variant classification. Additional details can be found in publication PMID: 35346344, PMCID: PMC8962531

GeneDx
Classification: Likely benign. Last evaluated: 2017-09-14. Review status: criteria provided, single submitter. Criteria: GeneDx Variant Classification (06012015). Collection method: clinical testing. Allele origin: germline. Affected: yes.
Comment: This variant is considered likely benign or benign based on one or more of the following criteria: it is a conservative change, it occurs at a poorly conserved position in the protein, it is predicted to be benign by multiple in silico algorithms, and/or has population frequency not consistent with disease.